The following is an entry in ClinVar:

ClinVar aggregate classification (germline): Likely benign (1 of 4 stars; one submission).

Submission:

CeGaT Center for Human Genetics Tuebingen
Classification: Likely benign. Last evaluated: 2026-08-01. Review status: criteria provided, single submitter. Criteria: CeGaT Center For Human Genetics Tuebingen Variant Classification Criteria Version 2. Collection method: clinical testing. Allele origin: germline. Affected: yes. Observed: 1 variant allele.
Comment: MUC21: BP4

NM_001010909.5(MUC21):c.337A>G (p.Thr113Ala)

Gene: MUC21 (mucin 21, cell surface associated; plus strand). Cytogenetic location: 6p21.33.
Variant type: single nucleotide variant.
Coding change: c.337A>G on transcript NM_001010909.5 (MANE Select); coding-DNA position 337, A replaced by G.
Protein change: p.Thr113Ala; replaces threonine 113 with alanine.
Molecular consequence: missense variant. On other transcripts: non-coding transcript variant (1).
Genome position (GRCh38, 1-based): chr6:30,986,512, A>G. VCF-style: chr6-30986512-A-G. GRCh37 (hg19) VCF-style: chr6-30954289-A-G.
Other names: short protein forms T113A.
Identifiers: ClinVar variation 5038961 (VCV005038961.1).